The following is an entry in ClinVar:

NM_000465.4(BARD1):c.158+5A>G

Gene: BARD1 (BRCA1 associated RING domain 1; minus strand). Cytogenetic location: 2q35.
Variant type: single nucleotide variant.
Coding change: c.158+5A>G on transcript NM_000465.4 (MANE Select); 5 bases into the intron after coding-DNA position 158, A replaced by G.
Molecular consequence: intron variant.
Genome position (GRCh38, 1-based): chr2:214,809,407, T>C on the plus strand (A>G on the coding strand, the complement: BARD1 is on the minus strand). VCF-style: chr2-214809407-T-C. GRCh37 (hg19) VCF-style: chr2-215674131-T-C.
Other names: c.158+5A>G (LRG_297t1, NM_001282548.2, NM_001282543.2 and 2 more transcripts).
Identifiers: ClinVar variation 385601 (VCV000385601.12), dbSNP rs1057522270, ClinGen allele CA16604050.

ClinVar aggregate classification (germline): Conflicting classifications of pathogenicity. Review status: criteria provided, conflicting classifications (1 of 4 stars). 4 submissions from 4 submitters: Uncertain significance (1); Likely benign (3). Last evaluated 2025-04-29.

Conditions:
Familial cancer of breast. Also called: hereditary breast carcinoma; Hereditary breast cancer; BREAST CANCER, FAMILIAL. Identifiers: Orphanet 227535, MedGen C0346153, MONDO:0016419, OMIM 114480. Disease mechanism: loss of function.
Hereditary cancer-predisposing syndrome. Also called: Hereditary Cancer Syndrome; Hereditary neoplastic syndrome; Neoplastic Syndromes, Hereditary; Tumor predisposition. Identifiers: Orphanet 140162, MedGen C0027672, MeSH D009386, MONDO:0015356.

Allele frequency attached by ClinVar (database versions not stated): TOPMed below 0.00001.

Submissions (4):

Labcorp Genetics (formerly Invitae), Labcorp
Classification: Uncertain significance for Familial cancer of breast. Last evaluated: 2025-04-29. Review status: criteria provided, single submitter. Criteria: Invitae Variant Classification Sherloc (09022015). Collection method: clinical testing. Allele origin: germline.
Comment: This sequence change falls in intron 1 of the BARD1 gene. It does not directly change the encoded amino acid sequence of the BARD1 protein. It affects a nucleotide within the consensus splice site. This variant is not present in population databases (gnomAD no frequency). This variant has not been reported in the literature in individuals affected with BARD1-related conditions. ClinVar contains an entry for this variant (Variation ID: 385601). Variants that disrupt the consensus splice site are a relatively common cause of aberrant splicing (PMID: 17576681, 9536098). Algorithms developed to predict the effect of sequence changes on RNA splicing suggest that this variant is not likely to affect RNA splicing. In summary, the available evidence is currently insufficient to determine the role of this variant in disease. Therefore, it has been classified as a Variant of Uncertain Significance.

Ambry Genetics
Classification: Likely benign for Hereditary cancer-predisposing syndrome. Last evaluated: 2024-08-29. Review status: criteria provided, single submitter. Criteria: Ambry Variant Classification Scheme 2023. Collection method: clinical testing. Allele origin: germline.

Myriad Genetics, Inc.
Classification: Likely benign for Familial cancer of breast. Last evaluated: 2024-07-18. Review status: criteria provided, single submitter. Criteria: Myriad Autosomal Dominant, Autosomal Recessive and X-Linked Classification Criteria (2023). Collection method: clinical testing. Allele origin: unknown.
Comment: This variant is considered likely benign. This variant is intronic and is not expected to impact mRNA splicing.

GeneDx
Classification: Likely benign. Last evaluated: 2016-04-15. Review status: criteria provided, single submitter. Criteria: GeneDx Variant Classification (06012015). Collection method: clinical testing. Allele origin: germline. Affected: yes.
Comment: This variant is considered likely benign or benign based on one or more of the following criteria: it is a conservative change, it occurs at a poorly conserved position in the protein, it is predicted to be benign by multiple in silico algorithms, and/or has population frequency not consistent with disease.

Literature cited by the submitters: PubMed 17576681 (cited by Labcorp Genetics (formerly Invitae), Labcorp); PubMed 9536098 (cited by Labcorp Genetics (formerly Invitae), Labcorp).